The following is an entry in ClinVar:

ClinVar aggregate classification (germline): Pathogenic (1 of 4 stars; one submission).

Conditions:
Severe myoclonic epilepsy in infancy (DRVT). Also called: Epileptic encephalopathy, early infantile, 6 (Dravet syndrome); SEVERE MYOCLONIC EPILEPSY OF INFANCY; DEVELOPMENTAL AND EPILEPTIC ENCEPHALOPATHY 6A; Severe Myoclonic Epilepsy in Infancy (SMEI); Dravet syndrome. Identifiers: Orphanet 33069, MedGen C0751122, MONDO:0100135, OMIM 607208.

Submission:

Center for Bioinformatics, Peking University
Classification: Pathogenic for Dravet syndrome. Last evaluated: 2014-12-20. Review status: criteria provided, single submitter. Criteria: Xu et al. (Hum Mutat. 2015). Collection method: research. Allele origin: de novo. Affected: yes. Observed: 2 variant alleles. Study: University Clinical Cooperation “985 Project” PKU-2014-1-1.
Comment: Dravet syndrome (DS) probands were recruited from the outpatient and inpatient child neurology units of Peking University First Hospital from 2005 till present. The study was approved by the Ethics Committee of Peking University First Hospital and the Institutional Review Board at Peking University. Participants or their parents provided written informed consent before enrollment. We collected a total of 267 mutations from 255 families with probands diagnosed with DS in China. All probands fulfilled the clinical diagnostic criteria.

NM_001165963.4(SCN1A):c.5082T>G (p.Tyr1694Ter)

Genes: SCN1A (sodium voltage-gated channel alpha subunit 1; minus strand), LOC102724058 (uncharacterized LOC102724058; plus strand). Cytogenetic location: 2q24.3.
Variant type: single nucleotide variant.
Coding change: c.5082T>G on transcript NM_001165963.4 (MANE Select); coding-DNA position 5082, T replaced by G.
Protein change: p.Tyr1694Ter; replaces tyrosine 1694 with a stop codon.
Molecular consequence: nonsense. On other transcripts: non-coding transcript variant (1).
Genome position (GRCh38, 1-based): chr2:165,992,193, A>C on the plus strand (T>G on the coding strand, the complement: SCN1A is on the minus strand). VCF-style: chr2-165992193-A-C. GRCh37 (hg19) VCF-style: chr2-166848703-A-C.
Other names: c.4998T>G, p.Tyr1666Ter (NM_001165964.3, NM_001353957.2, NM_001353958.2); c.5082T>G, p.Tyr1694Ter (NM_001202435.3, NM_001353948.2); c.5049T>G, p.Tyr1683Ter (NM_001353949.2, NM_001353950.2, NM_001353951.2 and 2 more transcripts); c.5046T>G, p.Tyr1682Ter (NM_001353954.2, NM_001353955.2); c.4995T>G, p.Tyr1665Ter (NM_001353960.2); c.2640T>G, p.Tyr880Ter (NM_001353961.2); short protein forms Y1683*, Y1694*, Y1666*, Y1665*, Y1682*, Y880*.
Identifiers: ClinVar variation 189907 (VCV000189907.1), dbSNP rs794726748, ClinGen allele CA303275.